The following is an entry in ClinVar:

NC_000002.12:g.(?_96733519)_(96832047_?)del

Genes: LMAN2L (lectin, mannose binding 2 like; minus strand), CNNM3 (cyclin and CBS domain divalent metal cation transport mediator 3; plus strand), CNNM4 (cyclin and CBS domain divalent metal cation transport mediator 4; plus strand). Cytogenetic location: 2q11.2.
Variant type: Deletion.
Identifiers: ClinVar variation 831980 (VCV000831980.1).

ClinVar aggregate classification (germline): Pathogenic (1 of 4 stars; one submission).

Submission:

Labcorp Genetics (formerly Invitae), Labcorp
Classification: Pathogenic. Last evaluated: 2019-10-22. Review status: criteria provided, single submitter. Criteria: Invitae Variant Classification Sherloc (09022015). Collection method: clinical testing. Allele origin: germline.
Comment: A gross deletion of the genomic region encompassing the full coding sequence of the CNNM4 gene has been identified. The boundaries of this event are unknown as the deletion extends beyond the assayed region for this gene and therefore may encompass additional genes. This variant has not been reported in the literature in individuals with CNNM4-related conditions. Loss-of-function variants in CNNM4 are known to be pathogenic (PMID: 19200525, 19200527). For these reasons, this variant has been classified as Pathogenic.